The following is an entry in ClinVar:

NM_001354483.2(CSGALNACT1):c.986A>G (p.Gln329Arg)

Gene: CSGALNACT1 (chondroitin sulfate N-acetylgalactosaminyltransferase 1; minus strand). Cytogenetic location: 8p21.3.
Variant type: single nucleotide variant.
Coding change: c.986A>G on transcript NM_001354483.2 (MANE Select); coding-DNA position 986, A replaced by G.
Protein change: p.Gln329Arg; replaces glutamine 329 with arginine.
Molecular consequence: missense variant. On other transcripts: non-coding transcript variant (7).
Genome position (GRCh38, 1-based): chr8:19,420,486, T>C on the plus strand (A>G on the coding strand, the complement: CSGALNACT1 is on the minus strand). VCF-style: chr8-19420486-T-C. GRCh37 (hg19) VCF-style: chr8-19277997-T-C.
Other names: c.986A>G, p.Gln329Arg (NM_001130518.2, NM_001354475.2, NM_001354476.2 and 18 more transcripts); short protein forms Q329R.
Identifiers: ClinVar variation 2966072 (VCV002966072.2), dbSNP rs2057745878, ClinGen allele CA370459841.
Genomic context (GRCh38, chr8:19,420,486, plus strand): 5'-CCCTTCCAGAAGCGGGCTCCAACATCAAGTCCCTTTCCCCGAGAAAATTCTCCATTCAGC[T>C]GGATGAAGGTAAAGTTCCTGAAGTTGGCAGCTCTGAAAGGCAAGACCAGGTACTGTCACT-3'
Protein context (NP_001341412.1, residues 319-339): AANFRNFTFI[Gln329Arg]LNGEFSRGKG

ClinVar aggregate classification (germline): Uncertain significance (1 of 4 stars; one submission).

Allele frequency attached by ClinVar (database versions not stated): gnomAD exomes below 0.00001; TOPMed below 0.00001.
gnomAD v4.1: 1 of 1,614,044 alleles (0.000062%); highest among the groups gnomAD compares: Admixed American, 0.0017%; no homozygotes.

Submission:

Labcorp Genetics (formerly Invitae), Labcorp
Classification: Uncertain significance. Last evaluated: 2023-03-02. Review status: criteria provided, single submitter. Criteria: Invitae Variant Classification Sherloc (09022015). Collection method: clinical testing. Allele origin: germline.
Comment: This sequence change replaces glutamine, which is neutral and polar, with arginine, which is basic and polar, at codon 329 of the CSGALNACT1 protein (p.Gln329Arg). In summary, the available evidence is currently insufficient to determine the role of this variant in disease. Therefore, it has been classified as a Variant of Uncertain Significance. Advanced modeling of protein sequence and biophysical properties (such as structural, functional, and spatial information, amino acid conservation, physicochemical variation, residue mobility, and thermodynamic stability) performed at Invitae indicates that this missense variant is not expected to disrupt CSGALNACT1 protein function. This variant has not been reported in the literature in individuals affected with CSGALNACT1-related conditions. This variant is not present in population databases (gnomAD no frequency).